The following is an entry in ClinVar:

ClinVar aggregate classification (germline): Uncertain significance (1 of 4 stars; one submission).

Conditions:
Hyper-IgE recurrent infection syndrome 3, autosomal recessive. Also called: Autosomal recessive hyper-IgE syndrome due to ZNF341 deficiency; HYPER-IgE SYNDROME 3, AUTOSOMAL RECESSIVE, WITH RECURRENT INFECTIONS. Identifiers: Orphanet 641368, MedGen C4748969, MONDO:0032654, OMIM 618282.

Allele frequency attached by ClinVar (database versions not stated): ExAC 0.00003; gnomAD exomes 0.00004 and 0.00006; ESP Exome Variant Server 0.00008; gnomAD 0.00010 and 0.00011; TOPMed 0.00010.
gnomAD v4.1: 102 of 1,614,080 alleles (0.0063%); highest among the groups gnomAD compares: African/African-American, 0.0093%; no homozygotes.

Submission:

Labcorp Genetics (formerly Invitae), Labcorp
Classification: Uncertain significance for Combined immunodeficiency due to DOCK8 deficiency. Last evaluated: 2023-12-04. Review status: criteria provided, single submitter. Criteria: Invitae Variant Classification Sherloc (09022015). Collection method: clinical testing. Allele origin: germline.
Comment: This sequence change replaces threonine, which is neutral and polar, with methionine, which is neutral and non-polar, at codon 162 of the DOCK8 protein (p.Thr162Met). This variant is present in population databases (rs368835870, gnomAD 0.02%). This variant has not been reported in the literature in individuals affected with DOCK8-related conditions. ClinVar contains an entry for this variant (Variation ID: 665422). Advanced modeling of protein sequence and biophysical properties (such as structural, functional, and spatial information, amino acid conservation, physicochemical variation, residue mobility, and thermodynamic stability) performed at Invitae indicates that this missense variant is not expected to disrupt DOCK8 protein function with a negative predictive value of 80%. In summary, the available evidence is currently insufficient to determine the role of this variant in disease. Therefore, it has been classified as a Variant of Uncertain Significance.

NM_203447.4(DOCK8):c.485C>T (p.Thr162Met)

Gene: DOCK8 (dedicator of cytokinesis 8; plus strand). Cytogenetic location: 9p24.3.
Variant type: single nucleotide variant.
Coding change: c.485C>T on transcript NM_203447.4 (MANE Select); coding-DNA position 485, C replaced by T.
Protein change: p.Thr162Met; replaces threonine 162 with methionine.
Molecular consequence: missense variant.
Genome position (GRCh38, 1-based): chr9:304,661, C>T. VCF-style: chr9-304661-C-T. GRCh37 (hg19) VCF-style: chr9-304661-C-T.
Other names: c.281C>T, p.Thr94Met (NM_001190458.2, NM_001193536.2); short protein forms T162M, T94M.
Identifiers: ClinVar variation 665422 (VCV000665422.5), dbSNP rs368835870, ClinGen allele CA4957255.